The following is an entry in ClinVar:

NM_031935.3(HMCN1):c.7126T>C (p.Tyr2376His)

Gene: HMCN1 (hemicentin 1; plus strand). Cytogenetic location: 1q31.1.
Variant type: single nucleotide variant.
Coding change: c.7126T>C on transcript NM_031935.3 (MANE Select); coding-DNA position 7126, T replaced by C.
Protein change: p.Tyr2376His; replaces tyrosine 2376 with histidine.
Molecular consequence: missense variant.
Genome position (GRCh38, 1-based): chr1:186,055,656, T>C. VCF-style: chr1-186055656-T-C. GRCh37 (hg19) VCF-style: chr1-186024788-T-C.
Other names: short protein forms Y2376H.
Identifiers: ClinVar variation 2906439 (VCV002906439.3), dbSNP rs1657267587, ClinGen allele CA343902339.

ClinVar aggregate classification (germline): Uncertain significance (1 of 4 stars; one submission).

Allele frequency attached by ClinVar (database versions not stated): TOPMed below 0.00001.

Submission:

Labcorp Genetics (formerly Invitae), Labcorp
Classification: Uncertain significance. Last evaluated: 2023-04-30. Review status: criteria provided, single submitter. Criteria: Invitae Variant Classification Sherloc (09022015). Collection method: clinical testing. Allele origin: germline.
Comment: In summary, the available evidence is currently insufficient to determine the role of this variant in disease. Therefore, it has been classified as a Variant of Uncertain Significance. An algorithm developed to predict the effect of missense changes on protein structure and function (PolyPhen-2) suggests that this variant is likely to be disruptive. This variant has not been reported in the literature in individuals affected with HMCN1-related conditions. This variant is not present in population databases (gnomAD no frequency). This sequence change replaces tyrosine, which is neutral and polar, with histidine, which is basic and polar, at codon 2376 of the HMCN1 protein (p.Tyr2376His).